The following is an entry in ClinVar:

ClinVar aggregate classification (germline): Uncertain significance (1 of 4 stars; one submission).

Conditions:
Inborn genetic diseases. Identifiers: MedGen C0950123, MeSH D030342.

Allele frequency attached by ClinVar (database versions not stated): gnomAD exomes below 0.00001.
gnomAD v4.1: 1 of 1,614,076 alleles (0.000062%); highest among the groups gnomAD compares: Admixed American, 0.0017%; no homozygotes.

Submission:

Ambry Genetics
Classification: Uncertain significance for Inborn genetic diseases. Last evaluated: 2022-08-28. Review status: criteria provided, single submitter. Criteria: Ambry Variant Classification Scheme 2023. Collection method: clinical testing. Allele origin: germline.
Comment: The p.P263L variant (also known as c.788C>T), located in coding exon 7 of the BUB1B gene, results from a C to T substitution at nucleotide position 788. The proline at codon 263 is replaced by leucine, an amino acid with similar properties. This amino acid position is conserved. In addition, this alteration is predicted to be tolerated by in silico analysis. Since supporting evidence is limited at this time, the clinical significance of this alteration remains unclear.

NM_001211.6(BUB1B):c.788C>T (p.Pro263Leu)

Gene: BUB1B (BUB1 mitotic checkpoint serine/threonine kinase B; plus strand). Cytogenetic location: 15q15.1.
Variant type: single nucleotide variant.
Coding change: c.788C>T on transcript NM_001211.6 (MANE Select); coding-DNA position 788, C replaced by T.
Protein change: p.Pro263Leu; replaces proline 263 with leucine.
Molecular consequence: missense variant.
Genome position (GRCh38, 1-based): chr15:40,185,201, C>T. VCF-style: chr15-40185201-C-T. GRCh37 (hg19) VCF-style: chr15-40477402-C-T.
Other names: short protein forms P263L.
Identifiers: ClinVar variation 1761038 (VCV001761038.2), dbSNP rs1229665204, ClinGen allele CA391683962.
Genomic context (GRCh38, chr15:40,185,201, plus strand): 5'-AGGTTTTAATATTTTTGCTCCTAGCTCCAAGCCAGAACAGAGGACTCCAAAATCCATTTC[C>T]TCAACAGATGCAAAATAATAGTAGAATTACTGTTTTTGATGAAAATGCTGATGAGGCTTC-3'
Protein context (NP_001202.5, residues 253-273): SQNRGLQNPF[Pro263Leu]QQMQNNSRIT